The following is an entry in ClinVar:

ClinVar aggregate classification (germline): Uncertain significance (1 of 4 stars; one submission).

Allele frequency attached by ClinVar (database versions not stated): gnomAD 0.00001; TOPMed below 0.00001.
gnomAD v4.1: 1 of 1,614,084 alleles (0.000062%); highest among the groups gnomAD compares: Non-Finnish European, 0.000085%; no homozygotes.

Submission:

Labcorp Genetics (formerly Invitae), Labcorp
Classification: Uncertain significance. Last evaluated: 2021-09-19. Review status: criteria provided, single submitter. Criteria: Invitae Variant Classification Sherloc (09022015). Collection method: clinical testing. Allele origin: germline.
Comment: This sequence change replaces asparagine with histidine at codon 258 of the PPCS protein (p.Asn258His). The asparagine residue is highly conserved and there is a small physicochemical difference between asparagine and histidine. This variant is not present in population databases (ExAC no frequency). This variant has not been reported in the literature in individuals affected with PPCS-related conditions. Algorithms developed to predict the effect of missense changes on protein structure and function (SIFT, PolyPhen-2, Align-GVGD) all suggest that this variant is likely to be disruptive. In summary, the available evidence is currently insufficient to determine the role of this variant in disease. Therefore, it has been classified as a Variant of Uncertain Significance.

NM_024664.4(PPCS):c.772A>C (p.Asn258His)

Genes: CCDC30 (coiled-coil domain containing 30; plus strand), PPCS (phosphopantothenoylcysteine synthetase; plus strand). Cytogenetic location: 1p34.2.
Variant type: single nucleotide variant.
Coding change: c.772A>C on transcript NM_024664.4 (MANE Select); coding-DNA position 772, A replaced by C.
Protein change: p.Asn258His; replaces asparagine 258 with histidine.
Molecular consequence: missense variant. On other transcripts: intron variant (2).
Genome position (GRCh38, 1-based): chr1:42,459,762, A>C. VCF-style: chr1-42459762-A-C. GRCh37 (hg19) VCF-style: chr1-42925433-A-C.
Other names: c.253A>C, p.Asn85His (NM_001077447.3, NM_001287506.1, NM_001287508.2 and 2 more transcripts); c.154A>C, p.Asn52His (NM_001287507.1); c.-880+2412A>C (NM_001355226.2); c.612+2412A>C (NM_001287511.2); short protein forms N52H, N85H, N258H.
Identifiers: ClinVar variation 1491625 (VCV001491625.4), dbSNP rs1216252018, ClinGen allele CA339949974.